The following is an entry in ClinVar:

NM_003742.4(ABCB11):c.1724G>A (p.Arg575Gln)

Gene: ABCB11 (ATP binding cassette subfamily B member 11; minus strand). Cytogenetic location: 2q31.1.
Variant type: single nucleotide variant.
Coding change: c.1724G>A on transcript NM_003742.4 (MANE Select); coding-DNA position 1724, G replaced by A.
Protein change: p.Arg575Gln; replaces arginine 575 with glutamine.
Molecular consequence: missense variant.
Genome position (GRCh38, 1-based): chr2:168,970,130, C>T on the plus strand (G>A on the coding strand, the complement: ABCB11 is on the minus strand). VCF-style: chr2-168970130-C-T. GRCh37 (hg19) VCF-style: chr2-169826640-C-T.
Other names: NM_003742.4(ABCB11):c.1724G>A; p.Arg575Gln; c.1724G>A (NM_003742.2); c.1724G>A, p.Arg575Gln (LRG_1199t1); short protein forms R575Q.
Identifiers: ClinVar variation 597297 (VCV000597297.12), dbSNP rs200667815, ClinGen allele CA1951473.

ClinVar aggregate classification (germline): Conflicting classifications of pathogenicity. Review status: criteria provided, conflicting classifications (1 of 4 stars). 8 submissions from 8 submitters: Likely pathogenic (1); Uncertain significance (7). Last evaluated 2026-04-14.

Conditions:
Progressive familial intrahepatic cholestasis type 2. Identifiers: Orphanet 79304, MedGen C3489789, MONDO:0011156, OMIM 601847.
ABCB11-related disorder. Also called: ABCB11-related condition.
Familial intrahepatic cholestasis. Identifiers: Orphanet 284385, MedGen CN296401, MONDO:0017290.

Allele frequency attached by ClinVar (database versions not stated): gnomAD exomes 0.00009 and 0.00014; gnomAD 0.00010; ExAC 0.00013; TOPMed 0.00014.
gnomAD v4.1: 154 of 1,612,958 alleles (0.0095%); highest among the groups gnomAD compares: Admixed American, 0.028%; no homozygotes.

Submissions (8):

Genomenon, Inc
Classification: Uncertain significance for Familial intrahepatic cholestasis. Last evaluated: 2026-04-14. Review status: criteria provided, single submitter. Criteria: Genomenon Sequence Variant Interpretation Standards - Updated. Collection method: curation. Allele origin: germline. Affected: yes.
Comment: ABCB11 p.Arg575Gln (c.1724G>A) is a missense variant that changes the amino acid at residue 575 from Arginine to Glutamine. This variant has been observed in at least one proband with an ABCB11-related disorder (PMID:37471416;29304564). It is absent or not present at a significant frequency in gnomAD. In conclusion, we classify ABCB11 p.Arg575Gln (c.1724G>A) as a variant of uncertain significance.

PreventionGenetics, part of Exact Sciences
Classification: Uncertain significance for ABCB11-related condition. Last evaluated: 2026-03-05. Review status: criteria provided, single submitter. Criteria: ACMG Guidelines, 2015. Collection method: clinical testing. Allele origin: germline.
Comment: The ABCB11 c.1724G>A variant is predicted to result in the amino acid substitution p.Arg575Gln. This variant has been reported in compound heterozygous state with second ABCB11 variant in two unrelated individuals with cholestatic disease (Table 2, Aamann et al. 2018. PubMed ID: 29304564; Table S3, Neřoldová et al. 2023. PubMed ID: 37471416). This variant is reported in 0.029% of alleles in individuals of Latino descent in gnomAD. Although we suspect that this variant may be pathogenic, at this time, the clinical significance of this variant is uncertain due to the absence of conclusive functional and genetic evidence.

GeneDx
Classification: Uncertain significance. Last evaluated: 2025-06-04. Review status: criteria provided, single submitter. Criteria: GeneDx Variant Classification Process June 2021. Collection method: clinical testing. Allele origin: germline. Affected: yes.
Comment: Reported previously as heterozygous in an individual with BRIC-phenotype who was heterozygous for a second variant in ABCB11 (PMID: 29304564); In silico analysis supports that this missense variant has a deleterious effect on protein structure/function; This variant is associated with the following publications: (PMID: 34711244, Hu2013[abstract2], 37471416, 29304564)

Labcorp Genetics (formerly Invitae), Labcorp
Classification: Uncertain significance. Last evaluated: 2025-04-04. Review status: criteria provided, single submitter. Criteria: Invitae Variant Classification Sherloc (09022015). Collection method: clinical testing. Allele origin: germline.
Comment: This sequence change replaces arginine, which is basic and polar, with glutamine, which is neutral and polar, at codon 575 of the ABCB11 protein (p.Arg575Gln). This variant is present in population databases (rs200667815, gnomAD 0.03%). This missense change has been observed in individuals with benign recurrent intrahepatic cholestasis (BRIC) (PMID: 29304564, 37471416). ClinVar contains an entry for this variant (Variation ID: 597297). Invitae Evidence Modeling of protein sequence and biophysical properties (such as structural, functional, and spatial information, amino acid conservation, physicochemical variation, residue mobility, and thermodynamic stability) has been performed for this missense variant. However, the output from this modeling did not meet the statistical confidence thresholds required to predict the impact of this variant on ABCB11 protein function. In summary, the available evidence is currently insufficient to determine the role of this variant in disease. Therefore, it has been classified as a Variant of Uncertain Significance.

Broad Center for Mendelian Genomics, Broad Institute of MIT and Harvard
Classification: Uncertain significance for Progressive familial intrahepatic cholestasis type 2. Last evaluated: 2025-01-27. Review status: criteria provided, single submitter. Criteria: ACMG Guidelines, 2015. Collection method: curation. Allele origin: germline. Inheritance: Autosomal recessive inheritance.
Comment: The p.Arg575Gln variant in ABCB11 has not been previously reported in the literature in individuals with BSEP deficiency but has been identified in 0.03% (17/59892) of Latino/Admixed American chromosomes by the Genome Aggregation Database (gnomAD; dbSNP rs200667815). Although this variant has been seen in the general population in a heterozygous state, its frequency is not high enough to rule out a pathogenic role. This variant has also been reported in ClinVar (Variation ID: 597297) and has been interpreted as a variant of uncertain significance by Eurofins Ntd Llc (ga). Computational prediction tools and conservation analyses do not provide strong support for or against an impact to the protein. In summary, the clinical significance of the p.Arg575Gln variant is uncertain. ACMG/AMP Criteria applied: none (Richards 2015).

Blueprint Genetics
Classification: Likely pathogenic for ABCB11-related disorders. Last evaluated: 2023-03-21. Review status: criteria provided, single submitter. Criteria: ACMG Guidelines, 2015. Collection method: clinical testing. Allele origin: germline. Affected: yes. Observed: 5 variant alleles.

Department of Pathology and Laboratory Medicine, Sinai Health System
Classification: Uncertain significance for progressive familial intrahepatic cholestasis type 2. Last evaluated: 2021-07-30. Review status: criteria provided, single submitter. Criteria: ACMG Guidelines, 2015. Collection method: research. Allele origin: germline.

Eurofins Ntd Llc (ga)
Classification: Uncertain significance. Last evaluated: 2018-06-07. Review status: criteria provided, single submitter. Criteria: EGL ClinVar v180209 classification definitions. Collection method: clinical testing. Allele origin: germline. Observed: 1 variant allele, 1 heterozygote.

Literature cited by the submitters: PubMed 37471416 (cited by Genomenon, Inc and Labcorp Genetics (formerly Invitae), Labcorp); PubMed 29304564 (cited by Genomenon, Inc and Labcorp Genetics (formerly Invitae), Labcorp).